The following is an entry in ClinVar:

ClinVar aggregate classification (germline): Uncertain significance (1 of 4 stars; one submission).

Allele frequency attached by ClinVar (database versions not stated): TOPMed below 0.00001.

Submission:

Labcorp Genetics (formerly Invitae), Labcorp
Classification: Uncertain significance. Last evaluated: 2022-11-07. Review status: criteria provided, single submitter. Criteria: Invitae Variant Classification Sherloc (09022015). Collection method: clinical testing. Allele origin: germline.
Comment: This sequence change replaces histidine, which is basic and polar, with arginine, which is basic and polar, at codon 77 of the TNFRSF6B protein (p.His77Arg). In summary, the available evidence is currently insufficient to determine the role of this variant in disease. Therefore, it has been classified as a Variant of Uncertain Significance. Algorithms developed to predict the effect of missense changes on protein structure and function (SIFT, PolyPhen-2, Align-GVGD) all suggest that this variant is likely to be disruptive. This variant has not been reported in the literature in individuals affected with TNFRSF6B-related conditions. This variant is not present in population databases (gnomAD no frequency).

NM_003823.4(TNFRSF6B):c.230A>G (p.His77Arg)

Genes: RTEL1-TNFRSF6B (RTEL1-TNFRSF6B readthrough (NMD candidate); plus strand), TNFRSF6B (TNF receptor superfamily member 6b; plus strand). Cytogenetic location: 20q13.33.
Variant type: single nucleotide variant.
Coding change: c.230A>G on transcript NM_003823.4 (MANE Select); coding-DNA position 230, A replaced by G.
Protein change: p.His77Arg; replaces histidine 77 with arginine.
Molecular consequence: missense variant. On other transcripts: non-coding transcript variant (1).
Genome position (GRCh38, 1-based): chr20:63,696,997, A>G. VCF-style: chr20-63696997-A-G. GRCh37 (hg19) VCF-style: chr20-62328350-A-G.
Other names: short protein forms H77R.
Identifiers: ClinVar variation 2812634 (VCV002812634.3), dbSNP rs2090995658, ClinGen allele CA409711005.